The following is an entry in ClinVar:

NM_007294.3(BRCA1):c.5278-?_5406+?dup129

Gene: BRCA1 (BRCA1 DNA repair associated; minus strand). Cytogenetic location: 17q21.31.
Variant type: Duplication.
Coding change: c.5278-?_5406+?dup129 on transcript NM_007294.3.
Identifiers: ClinVar variation 417467 (VCV000417467.1).

ClinVar aggregate classification (germline): Likely pathogenic (1 of 4 stars; one submission).

Conditions:
Hereditary breast ovarian cancer syndrome. Also called: Breast and ovarian cancer; Hereditary breast and ovarian cancer; Hereditary breast and/or ovarian cancer syndrome; BRCA1- and BRCA2-Associated Hereditary Breast and Ovarian Cancer; Hereditary breast and ovarian cancer syndrome (HBOC); Hereditary breast and ovarian cancer syndrome. Identifiers: Orphanet 145, MedGen C0677776, MeSH D061325, MONDO:0003582. Disease mechanism: loss of function.

Submission:

Labcorp Genetics (formerly Invitae), Labcorp
Classification: Likely pathogenic for Hereditary breast ovarian cancer syndrome. Last evaluated: 2016-10-29. Review status: criteria provided, single submitter. Criteria: Invitae Variant Classification Sherloc (09022015). Collection method: clinical testing. Allele origin: germline.
Comment: This variant is a gross duplication of the genomic region encompassing exons 20-21 of BRCA1 gene. While the exact position of the duplicated exons cannot be determined from this data, the duplicated copy of this region is likely in tandem and in-frame, therefore preserving the integrity of the reading frame. This variant has been reported in the literature in two individuals referred for hereditary breast or ovarian cancer testing (PMID: 24522996). Exons 20-21 are also known as exons 21-22 in the literature. ClinVar contains an entry for this variant (Variation ID: 267591). The C-terminal region of the BRCA1 protein contains two BRCT repeats (BRCT-N and BRCT-C), which are essential for BRCA1 protein function (PMID: 10811118, 8751436). Structural and functional analyses have shown that the tandem BRCT domains form a well-organized structure crucial for BRCA1 transcriptional activity (PMID: 20516115, 11573086, 15172985). This variant is expected to disrupt the BRCT-C repeat, which would likely destabilize the structure of the C-terminal region of the BRCA1 protein and disrupt BRCA1 transcriptional activity. Experimental studies using targeted deletions of highly conserved amino acids (Y1853-I1855) located in the most C-terminal hydrophobic cluster of the BRCT-C repeat have shown that structural integrity of this hydrophobic cluster is essential for BRCA1 transcriptional activity (PMID: 10811118, 18992264). This observation suggests that structural disruption of the C-terminal region of the BRCT-C may affect BRCA1 protein function. In summary, this variant is a rare exon-level duplication that has been observed in affected individuals and is expected to disrupt BRCA1 protein structural integrity and function. This evidence indicates that the variant is pathogenic, but additional data is needed to prove that conclusively. Therefore, this variant has been classified as Likely Pathogenic.